The following is an entry in ClinVar:

ClinVar aggregate classification (germline): Uncertain significance (1 of 4 stars; one submission).

Allele frequency attached by ClinVar (database versions not stated): ExAC 0.00003.
gnomAD v4.1: 8 of 1,613,912 alleles (0.0005%); highest among the groups gnomAD compares: Admixed American, 0.0067%; no homozygotes.

Submission:

Labcorp Genetics (formerly Invitae), Labcorp
Classification: Uncertain significance. Last evaluated: 2022-08-09. Review status: criteria provided, single submitter. Criteria: Invitae Variant Classification Sherloc (09022015). Collection method: clinical testing. Allele origin: germline.
Comment: In summary, the available evidence is currently insufficient to determine the role of this variant in disease. Therefore, it has been classified as a Variant of Uncertain Significance. Algorithms developed to predict the effect of missense changes on protein structure and function output the following: SIFT: "Tolerated"; PolyPhen-2: "Benign"; Align-GVGD: "Class C0". The glutamine amino acid residue is found in multiple mammalian species, which suggests that this missense change does not adversely affect protein function. ClinVar contains an entry for this variant (Variation ID: 1035614). This variant has not been reported in the literature in individuals affected with CLCC1-related conditions. This variant is present in population databases (rs764536408, gnomAD 0.009%). This sequence change replaces arginine, which is basic and polar, with glutamine, which is neutral and polar, at codon 173 of the CLCC1 protein (p.Arg173Gln).

NM_001377458.1(CLCC1):c.518G>A (p.Arg173Gln)

Gene: CLCC1 (chloride channel CLIC like 1; minus strand). Cytogenetic location: 1p13.3.
Variant type: single nucleotide variant.
Coding change: c.518G>A on transcript NM_001377458.1 (MANE Select); coding-DNA position 518, G replaced by A.
Protein change: p.Arg173Gln; replaces arginine 173 with glutamine.
Molecular consequence: missense variant. On other transcripts: non-coding transcript variant (1), intron variant (2).
Genome position (GRCh38, 1-based): chr1:108,943,879, C>T on the plus strand (G>A on the coding strand, the complement: CLCC1 is on the minus strand). VCF-style: chr1-108943879-C-T. GRCh37 (hg19) VCF-style: chr1-109486501-C-T.
Other names: c.518G>A, p.Arg173Gln (NM_001048210.3, NM_001377459.1, NM_001377460.1 and 8 more transcripts); c.416G>A, p.Arg139Gln (NM_001377469.1); c.227G>A, p.Arg76Gln (NM_001377470.1); c.368G>A, p.Arg123Gln (NM_015127.5); c.340-2381G>A (NM_001278202.2); c.339+3732G>A (NM_001278203.1); short protein forms R123Q, R173Q, R76Q, R139Q.
Identifiers: ClinVar variation 1035614 (VCV001035614.3), dbSNP rs764536408, ClinGen allele CA983584.